The following is an entry in ClinVar:

NM_000185.4(SERPIND1):c.1226T>A (p.Leu409Gln)

Genes: PI4KA (phosphatidylinositol 4-kinase alpha; minus strand), SERPIND1 (serpin family D member 1; plus strand). Cytogenetic location: 22q11.21.
Variant type: single nucleotide variant.
Coding change: c.1226T>A on transcript NM_000185.4 (MANE Select); coding-DNA position 1226, T replaced by A.
Protein change: p.Leu409Gln; replaces leucine 409 with glutamine.
Molecular consequence: missense variant. On other transcripts: intron variant (3).
Genome position (GRCh38, 1-based): chr22:20,786,066, T>A. VCF-style: chr22-20786066-T-A. GRCh37 (hg19) VCF-style: chr22-21140354-T-A.
Other names: c.2262+7127A>T (NM_001362863.2); c.2328+7127A>T (NM_001362862.2, NM_058004.4); short protein forms L409Q.
Identifiers: ClinVar variation 4883785 (VCV004883785.2).
Genomic context (GRCh38, chr22:20,786,066, plus strand): 5'-CTCGAGAAGTGCTTCTGCCGAAATTCAAGCTGGAGAAGAACTACAATCTAGTGGAGTCCC[T>A]GAAGTTGATGGGGATCAGGATGCTGTTTGACAAAAATGGCAACATGGCAGGCATCTCAGA-3'
Protein context (NP_000176.2, residues 399-419): LEKNYNLVES[Leu409Gln]KLMGIRMLFD

ClinVar aggregate classification (germline): Uncertain significance (1 of 4 stars; one submission).

Conditions:
Heparin cofactor II deficiency. Also called: HCF II DEFICIENCY; HCF2 DEFICIENCY; THROMBOPHILIA DUE TO HEPARIN COFACTOR II DEFICIENCY; Heparin cofactor 2 deficiency. Identifiers: MedGen C0398626, MONDO:0012876, OMIM 612356.

gnomAD v4.1: 4 of 1,614,156 alleles (0.00025%); highest among the groups gnomAD compares: Non-Finnish European, 0.00025%; no homozygotes.

Submission:

Dasa
Classification: Uncertain significance for Heparin cofactor II deficiency. Last evaluated: 2025-10-31. Review status: criteria provided, single submitter. Criteria: DASA Assertion Criteria. Collection method: clinical testing. Allele origin: germline.
Comment: NM_000185.4(SERPIND1):c.1226T>A (p.Leu409Gln) is a missense variant that results in the substitution of leucine with glutamine. This variant is rare in population databases. Computational prediction algorithms are consistent with a deleterious effect. The currently available literature and clinical evidence are not sufficient to establish a definitive association between this variant and the reported condition. Therefore, this variant is classified as a variant of uncertain significance.